The following is an entry in ClinVar:

NM_001264.5(CDSN):c.583del (p.Ser195fs)

Genes: CDSN (corneodesmosin; minus strand), PSORS1C1 (psoriasis susceptibility 1 candidate 1; plus strand). Cytogenetic location: 6p21.33.
Variant type: Deletion.
Coding change: c.583del on transcript NM_001264.5 (MANE Select); coding-DNA position 583, one base deleted (A; older notation c.583delA).
Protein change: p.Ser195fs; shifts the reading frame from serine 195.
Molecular consequence: frameshift variant. On other transcripts: intron variant (1).
Genome position (GRCh38, 1-based): chr6:31,117,032, T deleted on the plus strand (A on the coding strand, the reverse complement: CDSN is on the minus strand); the first of 3 consecutive T bases (chr6:31,117,032-31,117,034); deleting any one gives the same sequence. VCF-style (leftmost placement, unchanged base first): chr6-31117031-CT-C. GRCh37 (hg19) VCF-style: chr6-31084808-CT-C.
Other names: c.-229+2143del (NM_014068.3); short protein forms S195fs.
Identifiers: ClinVar variation 2632545 (VCV002632545.1), dbSNP rs2481088704, ClinGen allele CA2695198814.
Genomic context (GRCh38, chr6:31,117,031, plus strand): 5'-TGGTTGGAGCTGACGCTTTGGCCACTGCTGGATACCCCAAAGGTCTGGGAAGAGGAAGAG[CT>C]TTGTCCAGGCTGGGAAGGGTTTAGTATTCCGCGGTAAGAGTTGTCATTGGTTGGCAGAGC-3'

ClinVar aggregate classification (germline): Likely pathogenic (1 of 4 stars; one submission).

Conditions:
CDSN-related disorder. Also called: CDSN-related condition.

Submission:

PreventionGenetics, part of Exact Sciences
Classification: Likely pathogenic for CDSN-related condition. Last evaluated: 2023-06-08. Review status: criteria provided, single submitter. Criteria: ACMG Guidelines, 2015. Collection method: clinical testing. Allele origin: germline.
Comment: The CDSN c.583delA variant is predicted to result in a frameshift and premature protein termination (p.Ser195Alafs*95). To our knowledge, this variant has not been reported in the literature or in a large population database, indicating it is rare. Premature termination variants in CDSN are expected to be pathogenic for autosomal dominant hypotrichosis simplex of the scalp (Levy-Nissenbaum et al. 2003. PubMed ID: 12754508) and autosomal recessive peeling skin disease (Oji et al. 2010. PubMed ID: 20691404). This variant is interpreted as likely pathogenic.